The following is an entry in ClinVar:

NM_000138.5(FBN1):c.1732A>G (p.Ile578Val)

Gene: FBN1 (fibrillin 1; minus strand). Cytogenetic location: 15q21.1.
Variant type: single nucleotide variant.
Coding change: c.1732A>G on transcript NM_000138.5 (MANE Select); coding-DNA position 1732, A replaced by G.
Protein change: p.Ile578Val; replaces isoleucine 578 with valine.
Molecular consequence: missense variant.
Genome position (GRCh38, 1-based): chr15:48,508,687, T>C on the plus strand (A>G on the coding strand, the complement: FBN1 is on the minus strand). VCF-style: chr15-48508687-T-C. GRCh37 (hg19) VCF-style: chr15-48800884-T-C.
Other names: c.1732A>G, p.Ile578Val (NM_001406716.1); short protein forms I578V.
Identifiers: ClinVar variation 2932018 (VCV002932018.4), dbSNP rs1239073737, ClinGen allele CA392340626.

ClinVar aggregate classification (germline): Conflicting classifications of pathogenicity. Review status: criteria provided, conflicting classifications (1 of 4 stars). 2 submissions from 2 submitters: Uncertain significance (1); Likely benign (1). Last evaluated 2023-06-08.

Conditions:
Marfan syndrome (MFS). Also called: MARFAN SYNDROME, TYPE I; Marfan syndrome type 1; Marfan's syndrome; Marfan syndrome, classic; FBN1-Related Marfan Syndrome. Identifiers: Orphanet 284963, Orphanet 558, MedGen C0024796, MONDO:0007947, OMIM 154700.
Familial thoracic aortic aneurysm and aortic dissection (TAAD). Also called: Thoracic aortic aneurysms and dissections. Identifiers: Orphanet 91387, MedGen C4707243, MONDO:0019625.

Allele frequency attached by ClinVar (database versions not stated): gnomAD exomes below 0.00001; gnomAD 0.00001.
gnomAD v4.1: 3 of 1,613,820 alleles (0.00019%); highest among the groups gnomAD compares: East Asian, 0.0022%; no homozygotes.

Submissions (2):

All of Us Research Program, National Institutes of Health
Classification: Uncertain significance for Marfan syndrome. Last evaluated: 2023-06-08. Review status: criteria provided, single submitter. Criteria: ACMG Guidelines, 2015. Collection method: clinical testing. Allele origin: germline. Inheritance: Autosomal dominant inheritance. Observed: 2 variant alleles, 2 heterozygotes.
Comment: This missense variant replaces isoleucine with valine at codon 578 of the FBN1 protein. Computational prediction suggests that this variant may not impact protein structure and function (internally defined REVEL score threshold <= 0.5, PMID: 27666373). To our knowledge, functional studies have not been reported for this variant. This variant has not been reported in individuals affected with FBN1-related disorders in the literature. This variant has been identified in 1/251216 chromosomes in the general population by the Genome Aggregation Database (gnomAD). The available evidence is insufficient to determine the role of this variant in disease conclusively. Therefore, this variant is classified as a Variant of Uncertain Significance.

This study involves interpretation of variants in research participants for the purpose of population health screening. Participant phenotype was not available at the time of variant classification. Additional details can be found in publication PMID: 35346344, PMCID: PMC8962531

Labcorp Genetics (formerly Invitae), Labcorp
Classification: Likely benign for Marfan syndrome; Familial thoracic aortic aneurysm and aortic dissection. Last evaluated: 2022-11-11. Review status: criteria provided, single submitter. Criteria: Invitae Variant Classification Sherloc (09022015). Collection method: clinical testing. Allele origin: germline.